The following is an entry in ClinVar:

ClinVar aggregate classification (germline): Uncertain significance (1 of 4 stars; one submission).

Conditions:
Cardiovascular phenotype. Identifiers: MedGen CN230736.

Submission:

Ambry Genetics
Classification: Uncertain significance for Cardiovascular phenotype. Last evaluated: 2021-12-07. Review status: criteria provided, single submitter. Criteria: Ambry Variant Classification Scheme 2023. Collection method: clinical testing. Allele origin: germline.
Comment: The p.P65T variant (also known as c.193C>A), located in coding exon 1 of the ZNF469 gene, results from a C to A substitution at nucleotide position 193. The proline at codon 65 is replaced by threonine, an amino acid with highly similar properties. This amino acid position is conserved. In addition, this alteration is predicted to be tolerated by in silico analysis. Since supporting evidence is limited at this time, the clinical significance of this alteration remains unclear.

NM_001367624.2(ZNF469):c.193C>A (p.Pro65Thr)

Gene: ZNF469 (zinc finger protein 469; plus strand). Cytogenetic location: 16q24.2.
Variant type: single nucleotide variant.
Coding change: c.193C>A on transcript NM_001367624.2 (MANE Select); coding-DNA position 193, C replaced by A.
Protein change: p.Pro65Thr; replaces proline 65 with threonine.
Molecular consequence: missense variant.
Genome position (GRCh38, 1-based): chr16:88,427,663, C>A. VCF-style: chr16-88427663-C-A. GRCh37 (hg19) VCF-style: chr16-88494071-C-A.
Other names: NM_001127464.1:c.193C>A; short protein forms P65T.
Identifiers: ClinVar variation 1783027 (VCV001783027.2), dbSNP rs2507570484, ClinGen allele CA397058594.